The following is an entry in ClinVar:

ClinVar aggregate classification (germline): Uncertain significance (1 of 4 stars; one submission).

Allele frequency attached by ClinVar (database versions not stated): gnomAD exomes below 0.00001; TOPMed below 0.00001.
gnomAD v4.1: 1 of 1,613,436 alleles (0.000062%); highest among the groups gnomAD compares: African/African-American, 0.0013%; no homozygotes.

Submission:

Labcorp Genetics (formerly Invitae), Labcorp
Classification: Uncertain significance. Last evaluated: 2021-12-19. Review status: criteria provided, single submitter. Criteria: Invitae Variant Classification Sherloc (09022015). Collection method: clinical testing. Allele origin: germline.
Comment: This sequence change replaces leucine, which is neutral and non-polar, with arginine, which is basic and polar, at codon 540 of the SCP2 protein (p.Leu540Arg). This variant is not present in population databases (gnomAD no frequency). This variant has not been reported in the literature in individuals affected with SCP2-related conditions. Algorithms developed to predict the effect of missense changes on protein structure and function are either unavailable or do not agree on the potential impact of this missense change (SIFT: "Deleterious"; PolyPhen-2: "Probably Damaging"; Align-GVGD: "Class C0"). In summary, the available evidence is currently insufficient to determine the role of this variant in disease. Therefore, it has been classified as a Variant of Uncertain Significance.

NM_002979.5(SCP2):c.1619T>G (p.Leu540Arg)

Gene: SCP2 (sterol carrier protein 2; plus strand). Cytogenetic location: 1p32.3.
Variant type: single nucleotide variant.
Coding change: c.1619T>G on transcript NM_002979.5 (MANE Select); coding-DNA position 1619, T replaced by G.
Protein change: p.Leu540Arg; replaces leucine 540 with arginine.
Molecular consequence: missense variant. On other transcripts: 3 prime UTR variant (1).
Genome position (GRCh38, 1-based): chr1:53,050,679, T>G. VCF-style: chr1-53050679-T-G. GRCh37 (hg19) VCF-style: chr1-53516351-T-G.
Other names: c.407T>G, p.Leu136Arg (NM_001007099.3); c.398T>G, p.Leu133Arg (NM_001007100.3); c.*97T>G (NM_001007250.3); c.1547T>G, p.Leu516Arg (NM_001193599.2); c.1487T>G, p.Leu496Arg (NM_001193600.2); c.1376T>G, p.Leu459Arg (NM_001193617.2); short protein forms L136R, L496R, L516R, L540R, L133R, L459R.
Identifiers: ClinVar variation 2049058 (VCV002049058.4), dbSNP rs1340678953, ClinGen allele CA340383127.